The following is an entry in ClinVar:

NM_015057.5(MYCBP2):c.-27GCG[9]

Genes: MYCBP2 (MYC binding protein 2; minus strand), LOC130009921 (ATAC-STARR-seq lymphoblastoid silent region 5419; plus strand). Cytogenetic location: 13q22.3.
Variant type: Microsatellite.
Coding change: c.-27GCG[9] on transcript NM_015057.5 (MANE Select); nine copies in a row of the 3-base unit GCG starting at c.-27; the reference has eight copies in a row; one copy, 3 bases duplicated.
Molecular consequence: 5 prime UTR variant.
Genome position (GRCh38, 1-based): chr13:77,326,779-77,326,781, CGC duplicated on the plus strand (GCG on the coding strand, the reverse complement: MYCBP2 is on the minus strand); duplicating any 3 consecutive bases within chr13:77,326,779-77,326,803 gives the same sequence; the position shown is the placement nearest the transcript's 3' end. VCF-style (leftmost placement, unchanged base first): chr13-77326778-T-TCGC. GRCh37 (hg19) VCF-style: chr13-77900913-T-TCGC.
Identifiers: ClinVar variation 3043031 (VCV003043031.2), dbSNP rs754197897, ClinGen allele CA7010785.

ClinVar aggregate classification (germline): Likely benign (0 of 4 stars; one submission).

Conditions:
MYCBP2-related disorder. Also called: MYCBP2-related condition.

Submission:

PreventionGenetics, part of Exact Sciences
Classification: Likely benign for MYCBP2-related condition. Last evaluated: 2019-06-24. Review status: no assertion criteria provided. Collection method: clinical testing. Allele origin: germline.
Comment: This variant is classified as likely benign based on ACMG/AMP sequence variant interpretation guidelines (Richards et al. 2015 PMID: 25741868, with internal and published modifications).